The following is an entry in ClinVar:

ClinVar aggregate classification (germline): Likely benign. Review status: criteria provided, multiple submitters, no conflicts (2 of 4 stars). 3 submissions from 3 submitters: Likely benign (3). Last evaluated 2026-01-06.

Conditions:
Cardiovascular phenotype. Identifiers: MedGen CN230736.

Allele frequency attached by ClinVar (database versions not stated): gnomAD exomes 0.00001; gnomAD 0.00005 and 0.00006; TOPMed 0.00006.
gnomAD v4.1: 22 of 1,549,876 alleles (0.0014%); highest among the groups gnomAD compares: African/African-American, 0.026%; no homozygotes.

Submissions (3):

Labcorp Genetics (formerly Invitae), Labcorp
Classification: Likely benign. Last evaluated: 2026-01-06. Review status: criteria provided, single submitter. Criteria: Invitae Variant Classification Sherloc (09022015). Collection method: clinical testing. Allele origin: germline.

Mayo Clinic Laboratories, Mayo Clinic
Classification: Likely benign. Last evaluated: 2025-06-06. Review status: criteria provided, single submitter. Criteria: ACMG Guidelines, 2015. Collection method: clinical testing. Allele origin: germline. Observed: 1 variant allele.
Comment: BS1, BP4, BP7

Ambry Genetics
Classification: Likely benign for Cardiovascular phenotype. Last evaluated: 2023-03-13. Review status: criteria provided, single submitter. Criteria: Ambry Variant Classification Scheme 2023. Collection method: clinical testing. Allele origin: germline.

NM_001367624.2(ZNF469):c.864C>T (p.Phe288=)

Gene: ZNF469 (zinc finger protein 469; plus strand). Cytogenetic location: 16q24.2.
Variant type: single nucleotide variant.
Coding change: c.864C>T on transcript NM_001367624.2 (MANE Select); coding-DNA position 864, C replaced by T.
Protein change: p.Phe288=; no amino-acid change (phenylalanine 288 retained).
Molecular consequence: synonymous variant.
Genome position (GRCh38, 1-based): chr16:88,428,334, C>T. VCF-style: chr16-88428334-C-T. GRCh37 (hg19) VCF-style: chr16-88494742-C-T.
Other names: NM_001127464.1:c.864C>T; p.Phe288=.
Identifiers: ClinVar variation 1607109 (VCV001607109.11), dbSNP rs1021157563, ClinGen allele CA286372182.